The following is an entry in ClinVar:

ClinVar aggregate classification (germline): Likely benign. Review status: criteria provided, multiple submitters, no conflicts (2 of 4 stars). 6 submissions from 6 submitters: Likely benign (5). 1 of the submissions does not count toward it. Last evaluated 2026-08-01.

Conditions:
Inborn genetic diseases. Identifiers: MedGen C0950123, MeSH D030342.
Progressive sclerosing poliodystrophy (MTDPS4A). Also called: Alpers Syndrome; Mitochondrial DNA Depletion Syndrome 4A; ALPERS DIFFUSE DEGENERATION OF CEREBRAL GRAY MATTER WITH HEPATIC CIRRHOSIS; Mitochondrial DNA depletion syndrome 4A (Alpers type); Alpers-Huttenlocher Syndrome (AHS); ALPERS PROGRESSIVE INFANTILE POLIODYSTROPHY. Identifiers: Orphanet 726, MedGen C0205710, MONDO:0008758, OMIM 203700.
POLG-related disorder. Also called: POLG-related condition; POLG-Related Disorders; POLG-Related Spectrum Disorders. Identifiers: MedGen C4763519.

Allele frequency attached by ClinVar (database versions not stated): gnomAD below 0.00001 and 0.00001; TOPMed below 0.00001; gnomAD exomes 0.00005 and 0.00008; ExAC 0.00006.
gnomAD v4.1: 75 of 1,613,832 alleles (0.0046%); highest among the groups gnomAD compares: Middle Eastern, 0.099%; 1 homozygote.

Submissions (6):

CeGaT Center for Human Genetics Tuebingen
Classification: Likely benign. Last evaluated: 2026-08-01. Review status: criteria provided, single submitter. Criteria: CeGaT Center For Human Genetics Tuebingen Variant Classification Criteria Version 2. Collection method: clinical testing. Allele origin: germline. Affected: yes. Observed: 1 variant allele.
Comment: POLG: BP4

Labcorp Genetics (formerly Invitae), Labcorp
Classification: Likely benign for Progressive sclerosing poliodystrophy. Last evaluated: 2026-01-14. Review status: criteria provided, single submitter. Criteria: Invitae Variant Classification Sherloc (09022015). Collection method: clinical testing. Allele origin: germline.

Ambry Genetics
Classification: Likely benign for Inborn genetic diseases. Last evaluated: 2019-12-30. Review status: criteria provided, single submitter. Criteria: Ambry Variant Classification Scheme 2023. Collection method: clinical testing. Allele origin: germline.

GeneDx
Classification: Likely benign. Last evaluated: 2018-05-18. Review status: criteria provided, single submitter. Criteria: GeneDx Variant Classification Process June 2021. Collection method: clinical testing. Allele origin: germline. Affected: yes.

Breakthrough Genomics
Classification: Likely benign. Review status: criteria provided, single submitter. Criteria: ACMG Guidelines, 2015. Collection method: not provided. Allele origin: germline. Inheritance: Autosomal recessive inheritance. Affected: yes.

PreventionGenetics, part of Exact Sciences
Classification: Likely benign for POLG-related condition. Last evaluated: 2022-12-27. Review status: no assertion criteria provided. Collection method: clinical testing. Allele origin: germline. Not counted in ClinVar's aggregate classification.
Comment: This variant is classified as likely benign based on ACMG/AMP sequence variant interpretation guidelines (Richards et al. 2015 PMID: 25741868, with internal and published modifications).

NM_002693.3(POLG):c.3282C>G (p.Thr1094=)

Gene: POLG (DNA polymerase gamma, catalytic subunit; minus strand). Cytogenetic location: 15q26.1.
Variant type: single nucleotide variant.
Coding change: c.3282C>G on transcript NM_002693.3 (MANE Select); coding-DNA position 3282, C replaced by G.
Protein change: p.Thr1094=; no amino-acid change (threonine 1094 retained).
Molecular consequence: synonymous variant.
Genome position (GRCh38, 1-based): chr15:89,318,741, G>C on the plus strand (C>G on the coding strand, the complement: POLG is on the minus strand). VCF-style: chr15-89318741-G-C. GRCh37 (hg19) VCF-style: chr15-89861972-G-C.
Other names: c.3282C>G, p.Thr1094= (NM_001126131.2).
Identifiers: ClinVar variation 391063 (VCV000391063.18), dbSNP rs773093823, ClinGen allele CA7724172.
Genomic context (GRCh38, chr15:89,318,741, plus strand): 5'-CACAAGCATGAGGTGTAAGTAGTCAACAGCAGAGCTCTGTACCACCCAATTCACACGGCT[G>C]GTCATAAACTGGGAAGGGAAGGTGGGCAGAGGTGAAAGGGGCTATGCTACATACCAATTA-3'
Protein context (NP_002684.1, residues 1084-1104): EPSAVQEEFM[Thr1094=]SRVNWVVQSS